The following is an entry in ClinVar:

ClinVar aggregate classification (germline): Benign. Review status: criteria provided, multiple submitters, no conflicts (2 of 4 stars). 4 submissions from 4 submitters: Benign (3). 1 of the submissions does not count toward it. Last evaluated 2026-01-05.

Conditions:
LAMA1-related disorder. Also called: LAMA1-related condition; LAMA1-related disorders.

Allele frequency attached by ClinVar (database versions not stated): gnomAD exomes 0.00054 and 0.00136; ExAC 0.00174; ESP Exome Variant Server 0.00538; gnomAD 0.00556 and 0.00593; TOPMed 0.00620; 1000 Genomes Project 0.00699; 1000 Genomes Project 30x 0.00765.
gnomAD v4.1: 1,657 of 1,614,152 alleles (0.1%); highest among the groups gnomAD compares: African/African-American, 1.9%; 12 homozygotes.

Submissions (4):

Labcorp Genetics (formerly Invitae), Labcorp
Classification: Benign. Last evaluated: 2026-01-05. Review status: criteria provided, single submitter. Criteria: Invitae Variant Classification Sherloc (09022015). Collection method: clinical testing. Allele origin: germline.

Mayo Clinic Laboratories, Mayo Clinic
Classification: Benign. Last evaluated: 2024-02-20. Review status: criteria provided, single submitter. Criteria: ACMG Guidelines, 2015. Collection method: clinical testing. Allele origin: germline. Observed: 2 variant alleles.
Comment: BS1, BS2

Breakthrough Genomics
Classification: Benign. Review status: criteria provided, single submitter. Criteria: ACMG Guidelines, 2015. Collection method: not provided. Allele origin: germline. Inheritance: Autosomal recessive inheritance. Affected: yes.

PreventionGenetics, part of Exact Sciences
Classification: Benign for LAMA1-related condition. Last evaluated: 2019-05-30. Review status: no assertion criteria provided. Collection method: clinical testing. Allele origin: germline. Not counted in ClinVar's aggregate classification.
Comment: This variant is classified as benign based on ACMG/AMP sequence variant interpretation guidelines (Richards et al. 2015 PMID: 25741868, with internal and published modifications).

NM_005559.4(LAMA1):c.8403G>A (p.Lys2801=)

Gene: LAMA1 (laminin subunit alpha 1; minus strand). Cytogenetic location: 18p11.31.
Variant type: single nucleotide variant.
Coding change: c.8403G>A on transcript NM_005559.4 (MANE Select); coding-DNA position 8403, G replaced by A.
Protein change: p.Lys2801=; no amino-acid change (lysine 2801 retained).
Molecular consequence: synonymous variant.
Genome position (GRCh38, 1-based): chr18:6,949,254, C>T on the plus strand (G>A on the coding strand, the complement: LAMA1 is on the minus strand). VCF-style: chr18-6949254-C-T. GRCh37 (hg19) VCF-style: chr18-6949253-C-T.
Other names: p.Lys2801=.
Identifiers: ClinVar variation 714740 (VCV000714740.13), dbSNP rs147737122, ClinGen allele CA8880481.